The following is an entry in ClinVar:

ClinVar aggregate classification (germline): Conflicting classifications of pathogenicity. Review status: criteria provided, conflicting classifications (1 of 4 stars). 4 submissions from 4 submitters: Uncertain significance (2); Likely benign (2). Last evaluated 2026-01-12.

Conditions:
Miyoshi muscular dystrophy 1 (MMD1). Identifiers: Orphanet 45448, MedGen C4551973, MONDO:0024545, OMIM 254130.
Neuromuscular disease caused by qualitative or quantitative defects of dysferlin. Also called: Dysferlinopathy; Qualitative or quantitative defects of dysferlin. Identifiers: Orphanet 207073, MedGen C2931687, MONDO:0016145.

Allele frequency attached by ClinVar (database versions not stated): ExAC 0.00002; gnomAD 0.00003 and 0.00004; gnomAD exomes 0.00003 and 0.00004; TOPMed 0.00004.
gnomAD v4.1: 56 of 1,613,768 alleles (0.0035%); highest among the groups gnomAD compares: East Asian, 0.033%; no homozygotes.

Submissions (4):

Labcorp Genetics (formerly Invitae), Labcorp
Classification: Likely benign for Neuromuscular disease caused by qualitative or quantitative defects of dysferlin. Last evaluated: 2026-01-12. Review status: criteria provided, single submitter. Criteria: Invitae Variant Classification Sherloc (09022015). Collection method: clinical testing. Allele origin: germline.

Mayo Clinic Laboratories, Mayo Clinic
Classification: Likely benign. Last evaluated: 2024-11-15. Review status: criteria provided, single submitter. Criteria: ACMG Guidelines, 2015. Collection method: clinical testing. Allele origin: germline. Observed: 1 variant allele.
Comment: BP4, BP7

Pars Genome Lab
Classification: Uncertain significance for Miyoshi muscular dystrophy 1. Last evaluated: 2021-05-18. Review status: criteria provided, single submitter. Criteria: ACMG Guidelines, 2015. Collection method: clinical testing. Allele origin: germline. Affected: no.

Illumina Laboratory Services, Illumina
Classification: Uncertain significance for Qualitative or quantitative defects of dysferlin. Last evaluated: 2018-01-13. Review status: criteria provided, single submitter. Criteria: ICSL Variant Classification Criteria 13 December 2019. Collection method: clinical testing. Allele origin: germline.

NM_001130987.2(DYSF):c.1287C>T (p.Ala429=)

Gene: DYSF (dysferlin; plus strand). Cytogenetic location: 2p13.2.
Variant type: single nucleotide variant.
Coding change: c.1287C>T on transcript NM_001130987.2 (MANE Select); coding-DNA position 1287, C replaced by T.
Protein change: p.Ala429=; no amino-acid change (alanine 429 retained).
Molecular consequence: synonymous variant.
Genome position (GRCh38, 1-based): chr2:71,528,308, C>T. VCF-style: chr2-71528308-C-T. GRCh37 (hg19) VCF-style: chr2-71755438-C-T.
Other names: p.Ala397=; c.1194C>T, p.Ala398= (NM_001130455.2, NM_001130983.2, NM_001130984.2 and 1 more transcripts); c.1191C>T, p.Ala397= (NM_001130976.2, NM_001130977.2, NM_001130978.2 and 1 more transcripts); c.1284C>T, p.Ala428= (NM_001130979.2, NM_001130980.2, NM_001130981.2); c.1287C>T, p.Ala429= (NM_001130982.2, NM_001130985.2).
Identifiers: ClinVar variation 336949 (VCV000336949.17), dbSNP rs769254776, ClinGen allele CA1705696.